The following is an entry in ClinVar:

ClinVar aggregate classification (germline): Uncertain significance. Review status: criteria provided, multiple submitters, no conflicts (2 of 4 stars). 4 submissions from 3 submitters: Uncertain significance (4). Last evaluated 2025-12-29.

Conditions:
Seckel syndrome 1 (SCKL1). Also called: MICROCEPHALIC PRIMORDIAL DWARFISM I. Identifiers: Orphanet 808, MedGen C4551474, MONDO:0008869, OMIM 210600.
Familial cutaneous telangiectasia and oropharyngeal predisposition cancer syndrome. Identifiers: Orphanet 313846, MedGen C3281203, MONDO:0013806, OMIM 614564.

Allele frequency attached by ClinVar (database versions not stated): gnomAD exomes 0.00001 and 0.00002; ExAC 0.00003; TOPMed 0.00007; ESP Exome Variant Server 0.00008; gnomAD 0.00009 and 0.00013; 1000 Genomes Project 0.00020; 1000 Genomes Project 30x 0.00031.
gnomAD v4.1: 42 of 1,500,526 alleles (0.0028%); highest among the groups gnomAD compares: African/African-American, 0.041%; no homozygotes.

Submissions (4):

Labcorp Genetics (formerly Invitae), Labcorp
Classification: Uncertain significance. Last evaluated: 2025-12-29. Review status: criteria provided, single submitter. Criteria: Invitae Variant Classification Sherloc (09022015). Collection method: clinical testing. Allele origin: germline.
Comment: This sequence change falls in intron 41 of the ATR gene. It does not directly change the encoded amino acid sequence of the ATR protein. It affects a nucleotide within the consensus splice site. This variant is present in population databases (rs113544835, gnomAD 0.02%). This variant has not been reported in the literature in individuals affected with ATR-related conditions. ClinVar contains an entry for this variant (Variation ID: 158002). Variants that disrupt the consensus splice site are a relatively common cause of aberrant splicing (PMID: 17576681, 9536098). Algorithms developed to predict the effect of sequence changes on RNA splicing suggest that this variant is not likely to affect RNA splicing. In summary, the available evidence is currently insufficient to determine the role of this variant in disease. Therefore, it has been classified as a Variant of Uncertain Significance.

Genome-Nilou Lab
Classification: Uncertain significance for Seckel syndrome 1. Last evaluated: 2023-02-08. Review status: criteria provided, single submitter. Criteria: ACMG Guidelines, 2015. Collection method: clinical testing. Allele origin: germline.

Genome-Nilou Lab
Classification: Uncertain significance for Familial cutaneous telangiectasia and oropharyngeal predisposition cancer syndrome. Last evaluated: 2023-02-08. Review status: criteria provided, single submitter. Criteria: ACMG Guidelines, 2015. Collection method: clinical testing. Allele origin: germline.

Genetic Services Laboratory, University of Chicago
Classification: Uncertain significance for Seckel syndrome 1. Last evaluated: 2013-03-04. Review status: criteria provided, single submitter. Criteria: ACMG Guidelines, 2007. Collection method: clinical testing. Allele origin: germline. Inheritance: Autosomal recessive inheritance.

Literature cited by the submitters: PubMed 17576681 (cited by Labcorp Genetics (formerly Invitae), Labcorp); PubMed 9536098 (cited by Labcorp Genetics (formerly Invitae), Labcorp).

NM_001184.4(ATR):c.7041+4G>C

Gene: ATR (ATR checkpoint kinase; minus strand). Cytogenetic location: 3q23.
Variant type: single nucleotide variant.
Coding change: c.7041+4G>C on transcript NM_001184.4 (MANE Select); 4 bases into the intron after coding-DNA position 7041, G replaced by C.
Molecular consequence: intron variant.
Genome position (GRCh38, 1-based): chr3:142,465,093, C>G on the plus strand (G>C on the coding strand, the complement: ATR is on the minus strand). VCF-style: chr3-142465093-C-G. GRCh37 (hg19) VCF-style: chr3-142183935-C-G.
Other names: c.6849+4G>C (NM_001354579.2).
Identifiers: ClinVar variation 158002 (VCV000158002.10), dbSNP rs113544835, ClinGen allele CA345994.